The following is an entry in ClinVar:

NM_005585.5(SMAD6):c.264C>G (p.Gly88=)

Gene: SMAD6 (SMAD family member 6; plus strand). Cytogenetic location: 15q22.31.
Variant type: single nucleotide variant.
Coding change: c.264C>G on transcript NM_005585.5 (MANE Select); coding-DNA position 264, C replaced by G.
Protein change: p.Gly88=; no amino-acid change (glycine 88 retained).
Molecular consequence: synonymous variant. On other transcripts: non-coding transcript variant (1).
Genome position (GRCh38, 1-based): chr15:66,703,522, C>G. VCF-style: chr15-66703522-C-G. GRCh37 (hg19) VCF-style: chr15-66995860-C-G.
Identifiers: ClinVar variation 240177 (VCV000240177.41), dbSNP rs547033777, ClinGen allele CA7626450.
Genomic context (GRCh38, chr15:66,703,522, plus strand): 5'-CCGGGACGCAGTGGGACAGCGAGGCGCCCAGGGCGCGGGGAGGCGCCGGCGCGCAGGGGG[C>G]CCCCCGAGGCCCATGTCGGAGCCAGGGGCCGGCGCTGGGAGCTCCCTGCTGGACGTGGCG-3'
Protein context (NP_005576.3, residues 78-98): QGAGRRRRAG[Gly88=]PPRPMSEPGA

ClinVar aggregate classification (germline): Benign/Likely benign. Review status: criteria provided, multiple submitters, no conflicts (2 of 4 stars). 7 submissions from 7 submitters: Benign (1); Likely benign (6). Last evaluated 2026-02-01.

Conditions:
SMAD6-related disease. Also called: SMAD6-related condition; SMAD6-related disorder. Identifiers: MedGen CN381596, MONDO:0700324.
Inborn genetic diseases. Identifiers: MedGen C0950123, MeSH D030342.
Aortic valve disease 2 (AOVD2). Identifiers: MedGen C3542024, MONDO:0013902, OMIM 614823.

Allele frequency attached by ClinVar (database versions not stated): ExAC below 0.00001; TOPMed 0.00033; 1000 Genomes Project 0.00160; 1000 Genomes Project 30x 0.00219.
gnomAD v4.1: 656 of 1,219,804 alleles (0.054%); highest among the groups gnomAD compares: South Asian, 0.73%; 2 homozygotes.

Submissions (7):

Labcorp Genetics (formerly Invitae), Labcorp
Classification: Likely benign for Aortic valve disease 2. Last evaluated: 2026-02-01. Review status: criteria provided, single submitter. Criteria: Invitae Variant Classification Sherloc (09022015). Collection method: clinical testing. Allele origin: germline.

PreventionGenetics, part of Exact Sciences
Classification: Likely benign for SMAD6-related condition. Last evaluated: 2025-11-16. Review status: criteria provided, single submitter. Criteria: ACMG Guidelines, 2015. Collection method: clinical testing. Allele origin: germline.
Comment: This variant is classified as likely benign based on ACMG/AMP sequence variant interpretation guidelines (Richards et al. 2015 PMID: 25741868, with internal and published modifications).

Blueprint Genetics
Classification: Likely benign. Last evaluated: 2024-11-21. Review status: criteria provided, single submitter. Criteria: ACMG Guidelines, 2015. Collection method: clinical testing. Allele origin: germline.

Women's Health and Genetics/Laboratory Corporation of America, LabCorp
Classification: Likely benign. Last evaluated: 2023-08-24. Review status: criteria provided, single submitter. Criteria: LabCorp Variant Classification Summary - May 2015. Collection method: clinical testing. Allele origin: germline.

CeGaT Center for Human Genetics Tuebingen
Classification: Benign. Last evaluated: 2022-07-01. Review status: criteria provided, single submitter. Criteria: CeGaT Center For Human Genetics Tuebingen Variant Classification Criteria Version 2. Collection method: clinical testing. Allele origin: germline. Affected: yes. Observed: 1 variant allele.
Comment: SMAD6: BS1, BS2

Ambry Genetics
Classification: Likely benign for Inborn genetic diseases. Last evaluated: 2019-06-13. Review status: criteria provided, single submitter. Criteria: Ambry Variant Classification Scheme 2023. Collection method: clinical testing. Allele origin: germline.

Breakthrough Genomics
Classification: Likely benign. Review status: criteria provided, single submitter. Criteria: ACMG Guidelines, 2015. Collection method: not provided. Allele origin: germline. Inheritance: Autosomal dominant inheritance. Affected: yes.